The following is an entry in ClinVar:

ClinVar aggregate classification (germline): Uncertain significance (1 of 4 stars; one submission).

Allele frequency attached by ClinVar (database versions not stated): gnomAD exomes below 0.00001; ExAC 0.00001.
gnomAD v4.1: 2 of 1,614,032 alleles (0.00012%); highest among the groups gnomAD compares: Non-Finnish European, 0.000085%; no homozygotes.

Submission:

Labcorp Genetics (formerly Invitae), Labcorp
Classification: Uncertain significance. Last evaluated: 2019-12-18. Review status: criteria provided, single submitter. Criteria: Invitae Variant Classification Sherloc (09022015). Collection method: clinical testing. Allele origin: germline.
Comment: In summary, the available evidence is currently insufficient to determine the role of this variant in disease. Therefore, it has been classified as a Variant of Uncertain Significance. Algorithms developed to predict the effect of missense changes on protein structure and function are either unavailable or do not agree on the potential impact of this missense change (SIFT: "Deleterious"; PolyPhen-2: "Benign"; Align-GVGD: "Class C55"). This variant has not been reported in the literature in individuals with P3H2-related conditions. This variant is present in population databases (rs766103977, ExAC 0.001%). This sequence change replaces glycine with alanine at codon 296 of the P3H2 protein (p.Gly296Ala). The glycine residue is highly conserved and there is a small physicochemical difference between glycine and alanine.

NM_018192.4(P3H2):c.887G>C (p.Gly296Ala)

Gene: P3H2 (prolyl 3-hydroxylase 2; minus strand). Cytogenetic location: 3q28.
Variant type: single nucleotide variant.
Coding change: c.887G>C on transcript NM_018192.4 (MANE Select); coding-DNA position 887, G replaced by C.
Protein change: p.Gly296Ala; replaces glycine 296 with alanine.
Molecular consequence: missense variant.
Genome position (GRCh38, 1-based): chr3:189,988,975, C>G on the plus strand (G>C on the coding strand, the complement: P3H2 is on the minus strand). VCF-style: chr3-189988975-C-G. GRCh37 (hg19) VCF-style: chr3-189706764-C-G.
Other names: c.344G>C, p.Gly115Ala (NM_001134418.2); short protein forms G115A, G296A.
Identifiers: ClinVar variation 838062 (VCV000838062.6), dbSNP rs766103977, ClinGen allele CA2753185.